The following is an entry in ClinVar:

ClinVar aggregate classification (germline): Uncertain significance (1 of 4 stars; one submission).

Allele frequency attached by ClinVar (database versions not stated): gnomAD 0.00004; TOPMed 0.00012; 1000 Genomes Project 0.00020; ESP Exome Variant Server 0.00024; 1000 Genomes Project 30x 0.00031.
gnomAD v4.1: 69 of 1,611,482 alleles (0.0043%); highest among the groups gnomAD compares: Middle Eastern, 0.05%; no homozygotes.

Submission:

Labcorp Genetics (formerly Invitae), Labcorp
Classification: Uncertain significance. Last evaluated: 2025-12-21. Review status: criteria provided, single submitter. Criteria: Invitae Variant Classification Sherloc (09022015). Collection method: clinical testing. Allele origin: germline.
Comment: This sequence change replaces tryptophan, which is neutral and slightly polar, with cysteine, which is neutral and slightly polar, at codon 412 of the GPR179 protein (p.Trp412Cys). This variant is present in population databases (rs200731298, gnomAD 0.03%). This variant has not been reported in the literature in individuals affected with GPR179-related conditions. ClinVar contains an entry for this variant (Variation ID: 1355684). An algorithm developed to predict the effect of missense changes on protein structure and function (PolyPhen-2) suggests that this variant is likely to be disruptive. In summary, the available evidence is currently insufficient to determine the role of this variant in disease. Therefore, it has been classified as a Variant of Uncertain Significance.

NM_001004334.4(GPR179):c.1236G>C (p.Trp412Cys)

Gene: GPR179 (G protein-coupled receptor 179; minus strand). Cytogenetic location: 17q12.
Variant type: single nucleotide variant.
Coding change: c.1236G>C on transcript NM_001004334.4 (MANE Select); coding-DNA position 1236, G replaced by C.
Protein change: p.Trp412Cys; replaces tryptophan 412 with cysteine.
Molecular consequence: missense variant.
Genome position (GRCh38, 1-based): chr17:38,336,136, C>G on the plus strand (G>C on the coding strand, the complement: GPR179 is on the minus strand). VCF-style: chr17-38336136-C-G. GRCh37 (hg19) VCF-style: chr17-36492019-C-G.
Other names: short protein forms W412C.
Identifiers: ClinVar variation 1355684 (VCV001355684.8), dbSNP rs200731298, ClinGen allele CA290109065.